The following is an entry in ClinVar:

NM_000548.5(TSC2):c.599+17G>C

Gene: TSC2 (TSC complex subunit 2; plus strand). Cytogenetic location: 16p13.3.
Variant type: single nucleotide variant.
Coding change: c.599+17G>C on transcript NM_000548.5 (MANE Select); 17 bases into the intron after coding-DNA position 599, G replaced by C.
Molecular consequence: intron variant.
Genome position (GRCh38, 1-based): chr16:2,055,536, G>C. VCF-style: chr16-2055536-G-C. GRCh37 (hg19) VCF-style: chr16-2105537-G-C.
Other names: c.599+17G>C (NM_001114382.3, NM_021055.3, NM_001370405.1 and 3 more transcripts); c.488+17G>C (NM_001318827.2); c.-1-660G>C (NM_001318831.2); c.452+17G>C (NM_001318829.2); c.632+17G>C (NM_001318832.2).
Identifiers: ClinVar variation 207704 (VCV000207704.10), dbSNP rs533989586, ClinGen allele CA055484.

ClinVar aggregate classification (germline): Benign/Likely benign. Review status: criteria provided, multiple submitters, no conflicts (2 of 4 stars). 3 submissions from 3 submitters: Benign (1); Likely benign (2). Last evaluated 2026-01-11.

Conditions:
Tuberous sclerosis 2 (TSC2). Identifiers: Orphanet 805, MedGen C1860707, MONDO:0013199, OMIM 613254.

Allele frequency attached by ClinVar (database versions not stated): gnomAD exomes 0.00004 and 0.00011; TOPMed 0.00006; gnomAD 0.00008 and 0.00009; ExAC 0.00011; 1000 Genomes Project 30x 0.00016; 1000 Genomes Project 0.00020.
gnomAD v4.1: 77 of 1,603,426 alleles (0.0048%); highest among the groups gnomAD compares: East Asian, 0.045%; no homozygotes.

Submissions (3):

Labcorp Genetics (formerly Invitae), Labcorp
Classification: Likely benign for Tuberous sclerosis 2. Last evaluated: 2026-01-11. Review status: criteria provided, single submitter. Criteria: Invitae Variant Classification Sherloc (09022015). Collection method: clinical testing. Allele origin: germline.

ARUP Laboratories, Molecular Genetics and Genomics, ARUP Laboratories
Classification: Likely benign. Last evaluated: 2025-07-21. Review status: criteria provided, single submitter. Criteria: ARUP Molecular Germline Variant Investigation Process 2024. Collection method: clinical testing. Allele origin: germline.

GeneDx
Classification: Benign. Last evaluated: 2013-05-14. Review status: criteria provided, single submitter. Criteria: GeneDx Variant Classification (06012015). Collection method: clinical testing. Allele origin: germline. Affected: yes.
Comment: This variant is considered likely benign or benign based on one or more of the following criteria: it is a conservative change, it occurs at a poorly conserved position in the protein, it is predicted to be benign by multiple in silico algorithms, and/or has population frequency not consistent with disease.